The following is an entry in ClinVar:

NM_001283009.2(RTEL1):c.2410T>C (p.Ser804Pro)

Genes: RTEL1 (regulator of telomere elongation helicase 1; plus strand), RTEL1-TNFRSF6B (RTEL1-TNFRSF6B readthrough (NMD candidate); plus strand). Cytogenetic location: 20q13.33.
Variant type: single nucleotide variant.
Coding change: c.2410T>C on transcript NM_001283009.2 (MANE Select); coding-DNA position 2410, T replaced by C.
Protein change: p.Ser804Pro; replaces serine 804 with proline.
Molecular consequence: missense variant. On other transcripts: non-coding transcript variant (1).
Genome position (GRCh38, 1-based): chr20:63,690,438, T>C. VCF-style: chr20-63690438-T-C. GRCh37 (hg19) VCF-style: chr20-62321791-T-C.
Other names: c.1741T>C, p.Ser581Pro (NM_001283010.1); c.2410T>C, p.Ser804Pro (NM_016434.4); c.2482T>C, p.Ser828Pro (NM_032957.5); short protein forms S581P, S804P, S828P.
Identifiers: ClinVar variation 1422268 (VCV001422268.6), dbSNP rs2145432315, ClinGen allele CA409681261.

ClinVar aggregate classification (germline): Uncertain significance. Review status: criteria provided, multiple submitters, no conflicts (2 of 4 stars). 2 submissions from 2 submitters: Uncertain significance (2). Last evaluated 2025-06-05.

Conditions:
Pulmonary fibrosis and/or bone marrow failure, Telomere-related, 3. Also called: PULMONARY FIBROSIS AND/OR BONE MARROW FAILURE SYNDROME, TELOMERE-RELATED, 3. Identifiers: Orphanet 2032, MedGen C4225346, MONDO:0014613, OMIM 616373.
Dyskeratosis congenita, autosomal recessive 5 (DKCB5). Identifiers: MedGen C3554656, MONDO:0014076, OMIM 615190.
Inborn genetic diseases. Identifiers: MedGen C0950123, MeSH D030342.

gnomAD v4.1: 1 of 1,532,564 alleles (0.000065%); no homozygotes.

Submissions (2):

Ambry Genetics
Classification: Uncertain significance for Inborn genetic diseases. Last evaluated: 2025-06-05. Review status: criteria provided, single submitter. Criteria: Ambry Variant Classification Scheme 2023. Collection method: clinical testing. Allele origin: germline.
Comment: The p.S804P variant (also known as c.2410T>C), located in coding exon 25 of the RTEL1 gene, results from a T to C substitution at nucleotide position 2410. The serine at codon 804 is replaced by proline, an amino acid with similar properties. This amino acid position is conserved. In addition, this alteration is predicted to be tolerated by in silico analysis. Based on the available evidence, the clinical significance of this variant remains unclear.

Labcorp Genetics (formerly Invitae), Labcorp
Classification: Uncertain significance for Dyskeratosis congenita, autosomal recessive 5; Pulmonary fibrosis and/or bone marrow failure, Telomere-related, 3. Last evaluated: 2021-09-24. Review status: criteria provided, single submitter. Criteria: Invitae Variant Classification Sherloc (09022015). Collection method: clinical testing. Allele origin: germline.
Comment: This sequence change replaces serine with proline at codon 804 of the RTEL1 protein (p.Ser804Pro). The serine residue is weakly conserved and there is a moderate physicochemical difference between serine and proline. This variant is not present in population databases (ExAC no frequency). This variant has not been reported in the literature in individuals with RTEL1-related conditions. Algorithms developed to predict the effect of missense changes on protein structure and function output the following: SIFT: "Tolerated"; PolyPhen-2: "Benign"; Align-GVGD: "Class C0". The proline amino acid residue is found in multiple mammalian species, suggesting that this missense change does not adversely affect protein function. These predictions have not been confirmed by published functional studies and their clinical significance is uncertain. In summary, the available evidence is currently insufficient to determine the role of this variant in disease. Therefore, it has been classified as a Variant of Uncertain Significance.